The following is an entry in ClinVar:

NM_000512.5(GALNS):c.510T>C (p.Tyr170=)

Gene: GALNS (galactosamine (N-acetyl)-6-sulfatase; minus strand). Cytogenetic location: 16q24.3.
Variant type: single nucleotide variant.
Coding change: c.510T>C on transcript NM_000512.5 (MANE Select); coding-DNA position 510, T replaced by C.
Protein change: p.Tyr170=; no amino-acid change (tyrosine 170 retained).
Molecular consequence: synonymous variant. On other transcripts: 5 prime UTR variant (1).
Genome position (GRCh38, 1-based): chr16:88,837,678, A>G on the plus strand (T>C on the coding strand, the complement: GALNS is on the minus strand). VCF-style: chr16-88837678-A-G. GRCh37 (hg19) VCF-style: chr16-88904086-A-G.
Other names: c.-46T>C (NM_001323543.2); c.528T>C, p.Tyr176= (NM_001323544.2).
Identifiers: ClinVar variation 93180 (VCV000093180.26), dbSNP rs3743544, ClinGen allele CA146720.

ClinVar aggregate classification (germline): Benign. Review status: criteria provided, multiple submitters, no conflicts (2 of 4 stars). 9 submissions from 9 submitters: Benign (8). 1 of the submissions does not count toward it. Last evaluated 2026-02-04.

Conditions:
Mucopolysaccharidosis, MPS-IV-A (MPS4A). Also called: Morquio syndrome A, mild; MORQUIO A DISEASE; Mucopolysaccharidosis type IV A; MORQUIO SYNDROME A; Mucopolysaccharidosis Type IVA; MPS IVA. Identifiers: Orphanet 309297, Orphanet 582, MedGen C0086651, MONDO:0009659, OMIM 253000.

Allele frequency attached by ClinVar (database versions not stated): 1000 Genomes Project 0.04553; ExAC 0.04557; gnomAD exomes 0.04569 and 0.03829; 1000 Genomes Project 30x 0.04575; ESP Exome Variant Server 0.03601; gnomAD 0.03694 and 0.03848; TOPMed 0.04096.
gnomAD v4.1: 61,877 of 1,613,984 alleles (3.8%); highest among the groups gnomAD compares: South Asian, 7.9%; 1,423 homozygotes.

Submissions (9):

Labcorp Genetics (formerly Invitae), Labcorp
Classification: Benign for Mucopolysaccharidosis, MPS-IV-A. Last evaluated: 2026-02-04. Review status: criteria provided, single submitter. Criteria: Invitae Variant Classification Sherloc (09022015). Collection method: clinical testing. Allele origin: germline.

Genome-Nilou Lab
Classification: Benign for Mucopolysaccharidosis, MPS-IV-A. Last evaluated: 2021-11-07. Review status: criteria provided, single submitter. Criteria: ACMG Guidelines, 2015. Collection method: clinical testing. Allele origin: germline. Affected: no.

Women's Health and Genetics/Laboratory Corporation of America, LabCorp
Classification: Benign. Last evaluated: 2019-02-15. Review status: criteria provided, single submitter. Criteria: LabCorp Variant Classification Summary - May 2015. Collection method: clinical testing. Allele origin: germline.
Comment: Variant summary: GALNS c.510T>C alters a non-conserved nucleotide resulting in a synonymous change. 5/5 computational tools predict no significant impact on normal splicing. However, these predictions have yet to be confirmed by functional studies. The variant allele was found at a frequency of 0.046 in 121120 control chromosomes in the ExAC database, including 159 homozygotes. The observed variant frequency is approximately 22-fold of the estimated maximal expected allele frequency for a pathogenic variant in GALNS causing Mucopolysaccharidosis Type IVA (Morquio Syndrome A) phenotype (0.002), strongly suggesting that the variant is benign. Two ClinVar submission from clinical diagnostic laboratories (evaluation after 2014) cite the variant as likely benign/benign. Based on the evidence outlined above, the variant was classified as benign.

GeneDx
Classification: Benign. Last evaluated: 2018-06-25. Review status: criteria provided, single submitter. Criteria: GeneDx Variant Classification Process June 2021. Collection method: clinical testing. Allele origin: germline. Affected: yes.
Comment: This variant is associated with the following publications: (PMID: 24035930, 9452036)

Illumina Laboratory Services, Illumina
Classification: Benign for Mucopolysaccharidosis, MPS-IV-A. Last evaluated: 2018-01-13. Review status: criteria provided, single submitter. Criteria: ICSL Variant Classification Criteria 13 December 2019. Collection method: clinical testing. Allele origin: germline.
Comment: This variant was observed in the ICSL laboratory as part of a predisposition screen in an ostensibly healthy population. It had not been previously curated by ICSL or reported in the Human Gene Mutation Database (HGMD: prior to June 1st, 2018), and was therefore a candidate for classification through an automated scoring system. Utilizing variant allele frequency, disease prevalence and penetrance estimates, and inheritance mode, an automated score was calculated to assess if this variant is too frequent to cause the disease. Based on the score and internal cut-off values, a variant classified as benign is not then subjected to further curation. The score for this variant resulted in a classification of benign for this disease.

Eurofins Ntd Llc (ga)
Classification: Benign. Last evaluated: 2012-11-12. Review status: criteria provided, single submitter. Criteria: EGL Classification Definitions 2015. Collection method: clinical testing. Allele origin: germline. Observed: 15 variant alleles, 13 heterozygotes, 2 homozygotes.

Breakthrough Genomics
Classification: Benign. Review status: criteria provided, single submitter. Criteria: ACMG Guidelines, 2015. Collection method: not provided. Allele origin: germline. Inheritance: Autosomal recessive inheritance. Affected: yes.

PreventionGenetics, part of Exact Sciences
Classification: Benign. Review status: criteria provided, single submitter. Criteria: ACMG Guidelines, 2015. Collection method: clinical testing. Allele origin: germline.

Mayo Clinic Laboratories, Mayo Clinic
Classification: Benign. Last evaluated: 2015-10-23. Review status: no assertion criteria provided. Collection method: clinical testing. Allele origin: unknown. Not counted in ClinVar's aggregate classification.